The following is an entry in ClinVar:

NM_000465.4(BARD1):c.828T>C (p.Thr276=)

Gene: BARD1 (BRCA1 associated RING domain 1; minus strand). Cytogenetic location: 2q35.
Variant type: single nucleotide variant.
Coding change: c.828T>C on transcript NM_000465.4 (MANE Select); coding-DNA position 828, T replaced by C.
Protein change: p.Thr276=; no amino-acid change (threonine 276 retained).
Molecular consequence: synonymous variant. On other transcripts: non-coding transcript variant (2), intron variant (3).
Genome position (GRCh38, 1-based): chr2:214,781,046, A>G on the plus strand (T>C on the coding strand, the complement: BARD1 is on the minus strand). VCF-style: chr2-214781046-A-G. GRCh37 (hg19) VCF-style: chr2-215645770-A-G.
Other names: c.771T>C, p.Thr257= (NM_001282543.2); c.158+28366T>C (NM_001282548.2); c.215+16015T>C (NM_001282545.2); c.364+11251T>C (NM_001282549.2).
Identifiers: ClinVar variation 762170 (VCV000762170.12), dbSNP rs1574819148, ClinGen allele CA431392028.

ClinVar aggregate classification (germline): Benign/Likely benign. Review status: criteria provided, multiple submitters, no conflicts (2 of 4 stars). 2 submissions from 2 submitters: Benign (1); Likely benign (1). Last evaluated 2024-07-23.

Conditions:
Familial cancer of breast. Also called: Hereditary breast cancer; BREAST CANCER, FAMILIAL; hereditary breast carcinoma. Identifiers: Orphanet 227535, MedGen C0346153, MONDO:0016419, OMIM 114480. Disease mechanism: loss of function.

Submissions (2):

Myriad Genetics, Inc.
Classification: Benign for Familial cancer of breast. Last evaluated: 2024-07-23. Review status: criteria provided, single submitter. Criteria: Myriad Autosomal Dominant, Autosomal Recessive and X-Linked Classification Criteria (2023). Collection method: clinical testing. Allele origin: unknown.
Comment: This variant is considered benign. This variant is a silent/synonymous amino acid change and it is not expected to impact splicing.

Labcorp Genetics (formerly Invitae), Labcorp
Classification: Likely benign for Familial cancer of breast. Last evaluated: 2018-07-03. Review status: criteria provided, single submitter. Criteria: Invitae Variant Classification Sherloc (09022015). Collection method: clinical testing. Allele origin: germline.